The following is an entry in ClinVar:

NM_006180.6(NTRK2):c.611C>A (p.Pro204His)

Gene: NTRK2 (neurotrophic receptor tyrosine kinase 2; plus strand). Cytogenetic location: 9q21.33.
Variant type: single nucleotide variant.
Coding change: c.611C>A on transcript NM_006180.6 (MANE Select); coding-DNA position 611, C replaced by A.
Protein change: p.Pro204His; replaces proline 204 with histidine.
Molecular consequence: missense variant.
Genome position (GRCh38, 1-based): chr9:84,723,600, C>A. VCF-style: chr9-84723600-C-A. GRCh37 (hg19) VCF-style: chr9-87338515-C-A.
Other names: c.611C>A (NM_006180.4, NM_006180.3); c.611C>A, p.Pro204His (NM_001369532.1, NM_001369533.1, NM_001369534.1 and 18 more transcripts); c.143C>A, p.Pro48His (NM_001369535.1, NM_001369536.1, NM_001369550.1 and 2 more transcripts); short protein forms P204H, P48H.
Identifiers: ClinVar variation 1166625 (VCV001166625.43), dbSNP rs139913267, ClinGen allele CA5105546.

ClinVar aggregate classification (germline): Benign/Likely benign. Review status: criteria provided, multiple submitters, no conflicts (2 of 4 stars). 6 submissions from 6 submitters: Benign (3); Likely benign (2). 1 of the submissions does not count toward it. Last evaluated 2026-09-01.

Conditions:
Inborn genetic diseases. Identifiers: MedGen C0950123, MeSH D030342.
NTRK2-related disorder. Also called: NTRK2-related condition.

Allele frequency attached by ClinVar (database versions not stated): ExAC 0.00091; 1000 Genomes Project 30x 0.00094; 1000 Genomes Project 0.00100; gnomAD exomes 0.00100 and 0.00167; gnomAD 0.00103 and 0.00106; TOPMed 0.00114; ESP Exome Variant Server 0.00138.

Submissions (6):

CeGaT Center for Human Genetics Tuebingen
Classification: Benign. Last evaluated: 2026-09-01. Review status: criteria provided, single submitter. Criteria: CeGaT Center For Human Genetics Tuebingen Variant Classification Criteria Version 2. Collection method: clinical testing. Allele origin: germline. Affected: yes. Observed: 12 variant alleles.
Comment: NTRK2: PP2, BP4, BS1, BS2

Ambry Genetics
Classification: Likely benign for Inborn genetic diseases. Last evaluated: 2026-06-26. Review status: criteria provided, single submitter. Criteria: Ambry Variant Classification Scheme 2023. Collection method: clinical testing. Allele origin: germline.

Labcorp Genetics (formerly Invitae), Labcorp
Classification: Benign. Last evaluated: 2026-01-31. Review status: criteria provided, single submitter. Criteria: Invitae Variant Classification Sherloc (09022015). Collection method: clinical testing. Allele origin: germline.

Blueprint Genetics
Classification: Likely benign. Last evaluated: 2024-11-07. Review status: criteria provided, single submitter. Criteria: ACMG Guidelines, 2015. Collection method: clinical testing. Allele origin: germline.

Breakthrough Genomics
Classification: Benign. Review status: criteria provided, single submitter. Criteria: ACMG Guidelines, 2015. Collection method: not provided. Allele origin: germline. Inheritance: Autosomal dominant inheritance. Affected: yes.

PreventionGenetics, part of Exact Sciences
Classification: Likely benign for NTRK2-related condition. Last evaluated: 2022-02-04. Review status: no assertion criteria provided. Collection method: clinical testing. Allele origin: germline. Not counted in ClinVar's aggregate classification.
Comment: This variant is classified as likely benign based on ACMG/AMP sequence variant interpretation guidelines (Richards et al. 2015 PMID: 25741868, with internal and published modifications).